The following is an entry in ClinVar:

NM_001009944.3(PKD1):c.7346C>T (p.Thr2449Met)

Gene: PKD1 (polycystin 1, transient receptor potential channel interacting; minus strand). Cytogenetic location: 16p13.3.
Variant type: single nucleotide variant.
Coding change: c.7346C>T on transcript NM_001009944.3 (MANE Select); coding-DNA position 7346, C replaced by T.
Protein change: p.Thr2449Met; replaces threonine 2449 with methionine.
Molecular consequence: missense variant.
Genome position (GRCh38, 1-based): chr16:2,106,541, G>A on the plus strand (C>T on the coding strand, the complement: PKD1 is on the minus strand). VCF-style: chr16-2106541-G-A. GRCh37 (hg19) VCF-style: chr16-2156542-G-A.
Other names: c.7346C>T, p.Thr2449Met (NM_000296.4); short protein forms T2449M.
Identifiers: ClinVar variation 3383117 (VCV003383117.2).

ClinVar aggregate classification (germline): Uncertain significance (1 of 4 stars; one submission).

Conditions:
Polycystic kidney disease, adult type (PKD1). Also called: POLYCYSTIC KIDNEY DISEASE, ADULT, TYPE I; Polycystic Kidney Disease 1, Autosomal Dominant; Polycystic kidney disease 1; Polycystic kidney disease 1, severe; Polycystic Kidney, Autosomal Dominant; POLYCYSTIC KIDNEY DISEASE 1 WITH OR WITHOUT POLYCYSTIC LIVER DISEASE. Identifiers: MedGen C3149841, MONDO:0008263, OMIM 173900.

gnomAD v4.1: 45 of 1,596,378 alleles (0.0028%); highest among the groups gnomAD compares: Middle Eastern, 0.023%; no homozygotes.

Submission:

Juno Genomics, Hangzhou Juno Genomics, Inc
Classification: Uncertain significance for Polycystic kidney disease, adult type. Review status: criteria provided, single submitter. Criteria: ACMG Guidelines, 2015. Collection method: clinical testing. Allele origin: germline. Affected: yes.
Comment: Absent from controls (or at extremely low frequency if recessive) in Genome Aggregation Database, Exome Sequencing Project, 1000 Genomes Project, or Exome Aggregation Consortium.